The following is an entry in ClinVar:

ClinVar aggregate classification (germline): Likely benign (0 of 4 stars; one submission).

Conditions:
SHANK1-related disorder. Also called: SHANK1-related condition.

Allele frequency attached by ClinVar (database versions not stated): gnomAD exomes 0.00003; ExAC 0.00007; ESP Exome Variant Server 0.00015; gnomAD 0.00023; TOPMed 0.00026; 1000 Genomes Project 30x 0.00031; 1000 Genomes Project 0.00040.
gnomAD v4.1: 86 of 1,614,124 alleles (0.0053%); highest among the groups gnomAD compares: African/African-American, 0.087%; no homozygotes.

Submission:

PreventionGenetics, part of Exact Sciences
Classification: Likely benign for SHANK1-related condition. Last evaluated: 2019-05-28. Review status: no assertion criteria provided. Collection method: clinical testing. Allele origin: germline.
Comment: This variant is classified as likely benign based on ACMG/AMP sequence variant interpretation guidelines (Richards et al. 2015 PMID: 25741868, with internal and published modifications).

NM_016148.5(SHANK1):c.6420A>G (p.Leu2140=)

Gene: SHANK1 (SH3 and multiple ankyrin repeat domains 1; minus strand). Cytogenetic location: 19q13.33.
Variant type: single nucleotide variant.
Coding change: c.6420A>G on transcript NM_016148.5 (MANE Select); coding-DNA position 6420, A replaced by G.
Protein change: p.Leu2140=; no amino-acid change (leucine 2140 retained).
Molecular consequence: synonymous variant.
Genome position (GRCh38, 1-based): chr19:50,662,031, T>C on the plus strand (A>G on the coding strand, the complement: SHANK1 is on the minus strand). VCF-style: chr19-50662031-T-C. GRCh37 (hg19) VCF-style: chr19-51165288-T-C.
Identifiers: ClinVar variation 3043594 (VCV003043594.2), dbSNP rs199809614, ClinGen allele CA9600782.
Genomic context (GRCh38, chr19:50,662,031, plus strand): 5'-CTCCAGGAAGAATTTGAGAGCCCGGTCGATGTTCATGCGGTGGCCCACCCTGGTCACACC[T>C]AGATCGACGTAGTCCTCCTTGGTCAAGGCGGGCAGGTGGGAGCCATCGATCTCGTGGTCC-3'
Protein context (NP_057232.2, residues 2130-2150): PALTKEDYVD[Leu2140=]GVTRVGHRMN